The following is an entry in ClinVar:

ClinVar aggregate classification (germline): Uncertain significance (1 of 4 stars; one submission).

Conditions:
Combined oxidative phosphorylation defect type 14. Also called: Combined oxidative phosphorylation deficiency 14. Identifiers: Orphanet 319519, MedGen C4755312, MONDO:0013986, OMIM 614946.

Allele frequency attached by ClinVar (database versions not stated): gnomAD exomes below 0.00001.
gnomAD v4.1: 1 of 1,614,118 alleles (0.000062%); highest among the groups gnomAD compares: Non-Finnish European, 0.000085%; no homozygotes.

Submission:

Labcorp Genetics (formerly Invitae), Labcorp
Classification: Uncertain significance for Combined oxidative phosphorylation defect type 14. Last evaluated: 2023-05-22. Review status: criteria provided, single submitter. Criteria: Invitae Variant Classification Sherloc (09022015). Collection method: clinical testing. Allele origin: germline.
Comment: In summary, the available evidence is currently insufficient to determine the role of this variant in disease. Therefore, it has been classified as a Variant of Uncertain Significance. Advanced modeling of protein sequence and biophysical properties (such as structural, functional, and spatial information, amino acid conservation, physicochemical variation, residue mobility, and thermodynamic stability) performed at Invitae indicates that this missense variant is not expected to disrupt FARS2 protein function. ClinVar contains an entry for this variant (Variation ID: 1714103). This variant has not been reported in the literature in individuals affected with FARS2-related conditions. This variant is not present in population databases (gnomAD no frequency). This sequence change replaces lysine, which is basic and polar, with arginine, which is basic and polar, at codon 99 of the FARS2 protein (p.Lys99Arg).

NM_006567.5(FARS2):c.296A>G (p.Lys99Arg)

Genes: FARS2 (phenylalanyl-tRNA synthetase 2, mitochondrial; plus strand), LOC126859565 (CDK7 strongly-dependent group 2 enhancer GRCh37_chr6:5368745-5369944; plus strand). Cytogenetic location: 6p25.1.
Variant type: single nucleotide variant.
Coding change: c.296A>G on transcript NM_006567.5 (MANE Select); coding-DNA position 296, A replaced by G.
Protein change: p.Lys99Arg; replaces lysine 99 with arginine.
Molecular consequence: missense variant. On other transcripts: intron variant (2).
Genome position (GRCh38, 1-based): chr6:5,368,866, A>G. VCF-style: chr6-5368866-A-G. GRCh37 (hg19) VCF-style: chr6-5369099-A-G.
Other names: c.296A>G, p.Lys99Arg (NM_001318872.2, NM_001374875.1, NM_001374876.1 and 5 more transcripts); c.-340-27767A>G (NM_001375260.1); c.-84-35676A>G (NM_001375259.1); short protein forms K99R.
Identifiers: ClinVar variation 1714103 (VCV001714103.6), dbSNP rs2534751220, ClinGen allele CA362734980.
Genomic context (GRCh38, chr6:5,368,866, plus strand): 5'-ACAACCAGCAGCATCACCCTCTGTGGCTGATCAAGGAGAGGGTGAAGGAGCACTTCTACA[A>G]GCAGTATGTGGGCCGCTTTGGGACCCCGTTGTTCTCGGTCTACGACAACCTTTCTCCAGT-3'
Protein context (NP_006558.1, residues 89-109): IKERVKEHFY[Lys99Arg]QYVGRFGTPL